The following is an entry in ClinVar:

NM_004006.3(DMD):c.3108G>C (p.Leu1036=)

Gene: DMD (dystrophin; minus strand). Cytogenetic location: Xp21.1.
Variant type: single nucleotide variant.
Coding change: c.3108G>C on transcript NM_004006.3 (MANE Select); coding-DNA position 3108, G replaced by C.
Protein change: p.Leu1036=; no amino-acid change (leucine 1036 retained).
Molecular consequence: synonymous variant.
Genome position (GRCh38, 1-based): chrX:32,468,552, C>G on the plus strand (G>C on the coding strand, the complement: DMD is on the minus strand). VCF-style: chrX-32468552-C-G. GRCh37 (hg19) VCF-style: chrX-32486669-C-G.
Other names: p.Leu1036=; c.3108G>C (NM_004006.2); c.3084G>C, p.Leu1028= (NM_000109.4); c.3096G>C, p.Leu1032= (NM_004009.3); c.2739G>C, p.Leu913= (NM_004010.3).
Identifiers: ClinVar variation 1101694 (VCV001101694.10), dbSNP rs907460960, ClinGen allele CA328004677.

ClinVar aggregate classification (germline): Likely benign. Review status: criteria provided, multiple submitters, no conflicts (2 of 4 stars). 2 submissions from 2 submitters: Likely benign (2). Last evaluated 2025-02-28.

Conditions:
Duchenne muscular dystrophy (DMD). Also called: Duchenne Muscular Dystrophy (DMD); MUSCULAR DYSTROPHY, PSEUDOHYPERTROPHIC PROGRESSIVE, DUCHENNE TYPE. Identifiers: Orphanet 98896, MedGen C0013264, MONDO:0010679, OMIM 310200.

Allele frequency attached by ClinVar (database versions not stated): gnomAD exomes below 0.00001.

Submissions (2):

Mayo Clinic Laboratories, Mayo Clinic
Classification: Likely benign. Last evaluated: 2025-02-28. Review status: criteria provided, single submitter. Criteria: ACMG Guidelines, 2015. Collection method: clinical testing. Allele origin: germline. Observed: 1 variant allele.
Comment: BP4, BP7

Labcorp Genetics (formerly Invitae), Labcorp
Classification: Likely benign for Duchenne muscular dystrophy. Last evaluated: 2024-03-07. Review status: criteria provided, single submitter. Criteria: Invitae Variant Classification Sherloc (09022015). Collection method: clinical testing. Allele origin: germline.